The following is an entry in ClinVar:

ClinVar aggregate classification (germline): Conflicting classifications of pathogenicity. Review status: criteria provided, conflicting classifications (1 of 4 stars). 2 submissions from 2 submitters: Uncertain significance (1); Likely benign (1). Last evaluated 2026-03-01.

gnomAD v4.1: 5 of 1,613,828 alleles (0.00031%); highest among the groups gnomAD compares: Non-Finnish European, 0.00042%; no homozygotes.

Submissions (2):

CeGaT Center for Human Genetics Tuebingen
Classification: Likely benign. Last evaluated: 2026-03-01. Review status: criteria provided, single submitter. Criteria: CeGaT Center For Human Genetics Tuebingen Variant Classification Criteria Version 2. Collection method: clinical testing. Allele origin: germline. Affected: yes. Observed: 2 variant alleles.
Comment: RANBP2: BP4

Ambry Genetics
Classification: Uncertain significance. Last evaluated: 2025-08-31. Review status: criteria provided, single submitter. Criteria: Ambry Variant Classification Scheme 2023. Collection method: clinical testing. Allele origin: germline.

NM_006267.5(RANBP2):c.3461A>G (p.His1154Arg)

Gene: RANBP2 (RAN binding protein 2; plus strand). Cytogenetic location: 2q13.
Variant type: single nucleotide variant.
Coding change: c.3461A>G on transcript NM_006267.5 (MANE Select); coding-DNA position 3461, A replaced by G.
Protein change: p.His1154Arg; replaces histidine 1154 with arginine.
Molecular consequence: missense variant.
Genome position (GRCh38, 1-based): chr2:108,764,000, A>G. VCF-style: chr2-108764000-A-G. GRCh37 (hg19) VCF-style: chr2-109380456-A-G.
Other names: c.3461A>G, p.His1154Arg (NM_001415871.1, NM_001415873.1); c.3458A>G, p.His1153Arg (NM_001415872.1); short protein forms H1154R, H1153R.
Identifiers: ClinVar variation 4150332 (VCV004150332.8).